The following is an entry in ClinVar:

NM_006059.4(LAMC3):c.976C>T (p.Pro326Ser)

Gene: LAMC3 (laminin subunit gamma 3; plus strand). Cytogenetic location: 9q34.12.
Variant type: single nucleotide variant.
Coding change: c.976C>T on transcript NM_006059.4 (MANE Select); coding-DNA position 976, C replaced by T.
Protein change: p.Pro326Ser; replaces proline 326 with serine.
Molecular consequence: missense variant.
Genome position (GRCh38, 1-based): chr9:131,036,332, C>T. VCF-style: chr9-131036332-C-T. GRCh37 (hg19) VCF-style: chr9-133911719-C-T.
Other names: short protein forms P326S.
Identifiers: ClinVar variation 1429474 (VCV001429474.6), dbSNP rs370821927, ClinGen allele CA5286880.

ClinVar aggregate classification (germline): Conflicting classifications of pathogenicity. Review status: criteria provided, conflicting classifications (1 of 4 stars). 3 submissions from 3 submitters: Uncertain significance (2); Likely benign (1). Last evaluated 2025-10-22.

Conditions:
Occipital pachygyria and polymicrogyria. Identifiers: Orphanet 280640, MedGen C3279875, MONDO:0013583, OMIM 614115.

Allele frequency attached by ClinVar (database versions not stated): ExAC 0.00005; gnomAD exomes 0.00005 and 0.00009; TOPMed 0.00007; ESP Exome Variant Server 0.00008; gnomAD 0.00024 and 0.00025.
gnomAD v4.1: 160 of 1,612,532 alleles (0.0099%); highest among the groups gnomAD compares: Middle Eastern, 0.049%; no homozygotes.

Submissions (3):

Labcorp Genetics (formerly Invitae), Labcorp
Classification: Uncertain significance. Last evaluated: 2025-10-22. Review status: criteria provided, single submitter. Criteria: Invitae Variant Classification Sherloc (09022015). Collection method: clinical testing. Allele origin: germline.
Comment: This sequence change replaces proline, which is neutral and non-polar, with serine, which is neutral and polar, at codon 326 of the LAMC3 protein (p.Pro326Ser). This variant is present in population databases (rs370821927, gnomAD 0.04%). This variant has not been reported in the literature in individuals affected with LAMC3-related conditions. ClinVar contains an entry for this variant (Variation ID: 1429474). An algorithm developed to predict the effect of missense changes on protein structure and function (PolyPhen-2) suggests that this variant is likely to be tolerated. In summary, the available evidence is currently insufficient to determine the role of this variant in disease. Therefore, it has been classified as a Variant of Uncertain Significance.

Laboratory of Genetics, Children's Clinical University Hospital Latvia
Classification: Likely benign. Last evaluated: 2025-02-16. Review status: criteria provided, single submitter. Criteria: ACMG Guidelines, 2015. Collection method: clinical testing. Allele origin: germline. Affected: yes.

Fulgent Genetics
Classification: Uncertain significance for Occipital pachygyria and polymicrogyria. Last evaluated: 2024-01-19. Review status: criteria provided, single submitter. Criteria: ACMG Guidelines, 2015. Collection method: clinical testing. Allele origin: germline.